The following is an entry in ClinVar:

ClinVar aggregate classification (germline): other (0 of 4 stars; one submission).

Conditions:
Familial colorectal cancer. Identifiers: MedGen CN280943, MONDO:0023113. Disease mechanism: loss of function.

Submission:

Systems Biology Platform Zhejiang California International NanoSystems Institute
Classification: other for Familial colorectal cancer. Review status: no assertion criteria provided. Collection method: not provided. Allele origin: unknown.
ClinVar note: Converted during submission from cancer to other.

NM_000038.6(APC):c.1312+1039T>G

Gene: APC (APC regulator of WNT signaling pathway; plus strand). Cytogenetic location: 5q22.2.
Variant type: single nucleotide variant.
Coding change: c.1312+1039T>G on transcript NM_000038.6 (MANE Select); 1039 bases into the intron after coding-DNA position 1312, T replaced by G.
Molecular consequence: intron variant.
Genome position (GRCh38, 1-based): chr5:112,820,383, T>G. VCF-style: chr5-112820383-T-G. GRCh37 (hg19) VCF-style: chr5-112156080-T-G.
Other names: c.1312+1039T>G (NM_001354895.2, NM_001127510.3, NM_001354896.2); c.1342+1039T>G (NM_001354897.2); c.1039+1039T>G (NM_001354902.2); c.1258+1039T>G (NM_001127511.3); c.1237+1039T>G (NM_001354898.2); c.934+1039T>G (NM_001354904.2); c.463+1039T>G (NM_001354906.2); c.1009+1039T>G (NM_001354903.2); and 3 more.
Identifiers: ClinVar variation 83129 (VCV000083129.2), dbSNP rs75710383, ClinGen allele CA004151.